The following continues an entry in ClinVar:

NM_000136.3(FANCC):c.584A>T (p.Asp195Val)

ClinVar aggregate classification (germline): Conflicting classifications of pathogenicity. Uncertain significance (1); Benign (10); Likely benign (10).

Submissions 25 to 30 of 30:

Department of Pathology and Laboratory Medicine, Sinai Health System
Classification: Likely benign for Malignant tumor of breast. Review status: no assertion criteria provided. Collection method: clinical testing. Allele origin: unknown. Affected: yes. Observed: 18 variant alleles. Study: The Canadian Open Genetics Repository (COGR). Not counted in ClinVar's aggregate classification.
Comment: The FANCC p.Asp195Val variant was identified in 2 of 436 proband chromosomes (frequency: 0.005) from individuals or families of northern or eastern European and southern Italian descent with pancreatic cancer and Fanconi Anemia (Verlander 1994, Van Der Heijden 2003). The variant was also identified in the following databases: dbSNP (ID: rs1800365), in the ClinVar database as benign by GeneDx, Emory Genetics, Invitae, Vantari Genetics; as likely benign by Centre for Pediatric Genomic Medicine, Children's Mercy Hospital and Clinics, Prevention Genetics and Laboratory for Molecular Medicine, Partners Health Care Personalized Medicine; and as uncertain significance by Division of Genomic Diagnostics, Children's Hospital of Philadelphia Study Description: and in Clinvitae database as benign by Emyclass. The variant was also listed in the LOVD 3.0 database; however no relevant information was given. The variant was not identified in Cosmic and MutDB. In addition, the variant was identified in the 1000 Genomes Project in 13 of 5000 chromosomes (frequency: 0.003) and the NHLBI GO Exome Sequencing Project in 40 of 8600 European American and in 4 of 4406 African American alleles. The variant was identified in control databases in 842 (4 homozygous) of 277070 chromosomes at a frequency of 0.003 increasing the likelihood this could be a low frequency variant (Genome Aggregation Consortium Feb 27, 2017). Breakdown of observations by population is: European (Non-Finnish) in 568 (3 homozygous) of 126606 chromosomes (freq: 0.004), Ashkenazi Jewish in 36 of 10144 chromosomes (freq: 0.004), South Asian in 107 of 30766 chromosomes (freq: 0.003), Latino in 95 (1 homozygous) of 34412 chromosomes (freq: 0.003), Other in 16 of 6456 chromosomes (freq: 0.001), African in 12 of 24028 chromosomes (freq: 0.0005), and European (Finnish) in 8 of 25788 chromosomes (freq: 0.0003), while not observed in the East Asian population. The p.Asp195 residue is conserved in in mammals but not in more distantly related organisms and four out of five computational analyses (PolyPhen-2, SIFT, AlignGVGD, BLOSUM, MutationTaster) suggest that the p.Asp195Val variant may impact the protein; however, this information is not predictive enough to assume pathogenicity. The variant occurs outside of the splicing consensus sequence and in silico or computational prediction software programs (SpliceSiteFinder, MaxEntScan, NNSPLICE, GeneSplicer, HumanSpliceFinder) do not predict a difference in splicing. The variant is located with the Fanconi anaemia group C protein functional domain. In summary, based on the above information the clinical significance of this variant cannot be determined with certainty at this time although we lean towards a more benign role for this variant. This variant is classified as likely benign.

Genome Diagnostics Laboratory, Amsterdam University Medical Center
Classification: Likely benign. Review status: no assertion criteria provided. Collection method: clinical testing. Allele origin: germline. Affected: yes. Study: VKGL Data-share Consensus. Not counted in ClinVar's aggregate classification.

Genome Diagnostics Laboratory, University Medical Center Utrecht
Classification: Benign. Review status: no assertion criteria provided. Collection method: clinical testing. Allele origin: germline. Affected: yes. Study: VKGL Data-share Consensus. Not counted in ClinVar's aggregate classification.

Joint Genome Diagnostic Labs from Nijmegen and Maastricht, Radboudumc and MUMC+
Classification: Benign. Review status: no assertion criteria provided. Collection method: clinical testing. Allele origin: germline. Affected: yes. Study: VKGL Data-share Consensus. Not counted in ClinVar's aggregate classification.

Leiden Open Variation Database
Classification: Uncertain significance. Last evaluated: 2020-02-28. Review status: flagged submission. Collection method: curation. Allele origin: germline. Affected: yes. Not counted in ClinVar's aggregate classification.
Comment: Curator: Arleen D. Auerbach. Submitter to LOVD: Arleen D. Auerbach.
ClinVar note: Reason: Older claim that does not account for recent evidence

Genomic Diagnostic Laboratory, Division of Genomic Diagnostics, Children's Hospital of Philadelphia
Classification: Uncertain significance. Last evaluated: 2015-07-01. Review status: flagged submission. Criteria: DGD Variant Analysis Guidelines. Collection method: clinical testing. Allele origin: unknown. Not counted in ClinVar's aggregate classification.
ClinVar note: Reason: Claim with insufficient supporting evidence

Literature cited by the submitters: PubMed 37460928 (cited by Quest Diagnostics Nichols Institute San Juan Capistrano); PubMed 37450374 (cited by Quest Diagnostics Nichols Institute San Juan Capistrano); PubMed 38750555 (cited by Quest Diagnostics Nichols Institute San Juan Capistrano); PubMed 30613976 (cited by Quest Diagnostics Nichols Institute San Juan Capistrano); PubMed 35264596 (cited by Quest Diagnostics Nichols Institute San Juan Capistrano); PubMed 24728327 (cited by Quest Diagnostics Nichols Institute San Juan Capistrano and ITMI); PubMed 9521584 (cited by Quest Diagnostics Nichols Institute San Juan Capistrano and Counsyl); PubMed 8882868 (cited by 3 submitters); PubMed 8128956 (cited by 3 submitters); PubMed 22995991 (cited by Quest Diagnostics Nichols Institute San Juan Capistrano); PubMed 27153395 (cited by Quest Diagnostics Nichols Institute San Juan Capistrano); PubMed 08128956 (cited by Leiden Open Variation Database).